The following is an entry in ClinVar:

NM_000135.4(FANCA):c.1492del (p.Leu498fs)

Gene: FANCA (FA complementation group A; minus strand). Cytogenetic location: 16q24.3.
Variant type: Deletion.
Coding change: c.1492del on transcript NM_000135.4 (MANE Select); coding-DNA position 1492, one base deleted (C; older notation c.1492delC).
Protein change: p.Leu498fs; shifts the reading frame from leucine 498.
Molecular consequence: frameshift variant.
Genome position (GRCh38, 1-based): chr16:89,783,081, G deleted on the plus strand (C on the coding strand, the reverse complement: FANCA is on the minus strand); the first of 4 consecutive G bases (chr16:89,783,081-89,783,084); deleting any one gives the same sequence. VCF-style (leftmost placement, unchanged base first): chr16-89783080-AG-A. GRCh37 (hg19) VCF-style: chr16-89849488-AG-A.
Other names: NM_001286167.3:c.1492del; c.1492del, p.Leu498fs (NM_001286167.3); short protein forms L498fs.
Identifiers: ClinVar variation 2412747 (VCV002412747.4), dbSNP rs2544243740, ClinGen allele CA2573332483.
Genomic context (GRCh38, chr16:89,783,080, plus strand): 5'-AGCCGTGTCTTGGCCAATGAGATGTAGTCTGTGAGGAGGGAGCGGTACTTGCCGGGAACC[AG>A]GGGTGGGTGGAGAATGTGCACCTGAGGATAGATAGCAGAGCGCAGCACCGTTAGTCTGGG-3'

ClinVar aggregate classification (germline): Pathogenic. Review status: criteria provided, multiple submitters, no conflicts (2 of 4 stars). 2 submissions from 2 submitters: Pathogenic (2). Last evaluated 2023-01-25.

Conditions:
Fanconi anemia complementation group A (FANCA). Also called: FANCA-Related Fanconi Anemia; Fanconi anemia, group A. Identifiers: Orphanet 84, MedGen C3469521, MONDO:0009215, OMIM 227650.
Fanconi anemia (FA). Also called: Fanconi's anemia. Identifiers: Orphanet 84, MedGen C0015625, MeSH D005199, MONDO:0019391.

Submissions (2):

Broad Center for Mendelian Genomics, Broad Institute of MIT and Harvard
Classification: Pathogenic for Fanconi anemia complementation group A. Last evaluated: 2023-01-25. Review status: criteria provided, single submitter. Criteria: ACMG Guidelines, 2015. Collection method: curation. Allele origin: germline. Inheritance: Autosomal recessive inheritance.
Comment: The p.Leu498TrpfsTer28 variant in FANCA has not been previously reported in individuals with Fanconi anemia complementation group A. This variant was absent from large population studies. This variant is predicted to cause a frameshift, which alters the protein‚Äôs amino acid sequence beginning at position 498 and leads to a premature termination codon 28 amino acids downstream. This alteration is then predicted to lead to a truncated or absent protein. Loss of function of the FANCA gene is an established disease mechanism in autosomal recessive Fanconi anemia complementation group A. In summary, this variant meets criteria to be classified as pathogenic for Fanconi anemia complementation group A. ACMG/AMP Criteria applied: PVS1, PM2_Supporting, PM3_Supporting (Richards 2015).

Labcorp Genetics (formerly Invitae), Labcorp
Classification: Pathogenic for Fanconi anemia. Last evaluated: 2023-01-17. Review status: criteria provided, single submitter. Criteria: Invitae Variant Classification Sherloc (09022015). Collection method: clinical testing. Allele origin: germline.
Comment: This variant has not been reported in the literature in individuals affected with FANCA-related conditions. This variant is not present in population databases (gnomAD no frequency). This sequence change creates a premature translational stop signal (p.Leu498Trpfs*28) in the FANCA gene. It is expected to result in an absent or disrupted protein product. Loss-of-function variants in FANCA are known to be pathogenic (PMID: 19367192). For these reasons, this variant has been classified as Pathogenic.

Literature cited by the submitters: PubMed 19367192 (cited by Labcorp Genetics (formerly Invitae), Labcorp).